The following is an entry in ClinVar:

NM_003098.3(SNTA1):c.136G>A (p.Asp46Asn)

Genes: SNTA1 (syntrophin alpha 1; minus strand), LOC130065680 (ATAC-STARR-seq lymphoblastoid silent region 12812; plus strand). Cytogenetic location: 20q11.21.
Variant type: single nucleotide variant.
Coding change: c.136G>A on transcript NM_003098.3 (MANE Select); coding-DNA position 136, G replaced by A.
Protein change: p.Asp46Asn; replaces aspartic acid 46 with asparagine.
Molecular consequence: missense variant.
Genome position (GRCh38, 1-based): chr20:33,443,485, C>T on the plus strand (G>A on the coding strand, the complement: SNTA1 is on the minus strand). VCF-style: chr20-33443485-C-T. GRCh37 (hg19) VCF-style: chr20-32031291-C-T.
Other names: c.136G>A, p.Asp46Asn (NM_001424413.1, NM_001424414.1); short protein forms D46N.
Identifiers: ClinVar variation 3223112 (VCV003223112.2), dbSNP rs1990632538, ClinGen allele CA408634424.

ClinVar aggregate classification (germline): Uncertain significance. Review status: criteria provided, multiple submitters, no conflicts (2 of 4 stars). 2 submissions from 2 submitters: Uncertain significance (2). Last evaluated 2025-04-22.

Conditions:
Cardiovascular phenotype. Identifiers: MedGen CN230736.
Long QT syndrome (LQTS). Identifiers: MedGen C0023976, MeSH D008133, MONDO:0002442. Disease mechanism: loss of function. Inheritance: Various modes of inheritance.

Allele frequency attached by ClinVar (database versions not stated): gnomAD 0.00001; gnomAD exomes below 0.00001; TOPMed below 0.00001.
gnomAD v4.1: 4 of 1,377,794 alleles (0.00029%); highest among the groups gnomAD compares: South Asian, 0.0016%; no homozygotes.

Submissions (2):

Labcorp Genetics (formerly Invitae), Labcorp
Classification: Uncertain significance for Long QT syndrome. Last evaluated: 2025-04-22. Review status: criteria provided, single submitter. Criteria: Invitae Variant Classification Sherloc (09022015). Collection method: clinical testing. Allele origin: germline.
Comment: This sequence change replaces aspartic acid, which is acidic and polar, with asparagine, which is neutral and polar, at codon 46 of the SNTA1 protein (p.Asp46Asn). This variant is not present in population databases (gnomAD no frequency). This variant has not been reported in the literature in individuals affected with SNTA1-related conditions. ClinVar contains an entry for this variant (Variation ID: 3223112). Invitae Evidence Modeling of protein sequence and biophysical properties (such as structural, functional, and spatial information, amino acid conservation, physicochemical variation, residue mobility, and thermodynamic stability) indicates that this missense variant is not expected to disrupt SNTA1 protein function with a negative predictive value of 80%. In summary, the available evidence is currently insufficient to determine the role of this variant in disease. Therefore, it has been classified as a Variant of Uncertain Significance.

Ambry Genetics
Classification: Uncertain significance for Cardiovascular phenotype. Last evaluated: 2023-11-21. Review status: criteria provided, single submitter. Criteria: Ambry Variant Classification Scheme 2023. Collection method: clinical testing. Allele origin: germline.
Comment: The p.D46N variant (also known as c.136G>A), located in coding exon 1 of the SNTA1 gene, results from a G to A substitution at nucleotide position 136. The aspartic acid at codon 46 is replaced by asparagine, an amino acid with highly similar properties. This amino acid position is conserved. In addition, this alteration is predicted to be tolerated by in silico analysis. Since supporting evidence is limited at this time, the clinical significance of this alteration remains unclear.